The following is an entry in ClinVar:

ClinVar aggregate classification (germline): Uncertain significance (1 of 4 stars; one submission).

Allele frequency attached by ClinVar (database versions not stated): TOPMed below 0.00001.
gnomAD v4.1: 1 of 1,589,270 alleles (0.000063%); highest among the groups gnomAD compares: Non-Finnish European, 0.000085%; no homozygotes.

Submission:

Labcorp Genetics (formerly Invitae), Labcorp
Classification: Uncertain significance. Last evaluated: 2021-08-30. Review status: criteria provided, single submitter. Criteria: Invitae Variant Classification Sherloc (09022015). Collection method: clinical testing. Allele origin: germline.
Comment: This variant has been observed in individual(s) with Usher syndrome (Invitae). Variants that disrupt the consensus splice site are a relatively common cause of aberrant splicing (PMID: 17576681, 9536098). Algorithms developed to predict the effect of sequence changes on RNA splicing suggest that this variant may disrupt the consensus splice site. In summary, the available evidence is currently insufficient to determine the role of this variant in disease. Therefore, it has been classified as a Variant of Uncertain Significance. This sequence change affects codon 3302 of the ADGRV1 mRNA. It is a 'silent' change, meaning that it does not change the encoded amino acid sequence of the ADGRV1 protein. This variant also falls at the last nucleotide of exon 46, which is part of the consensus splice site for this exon. This variant is not present in population databases (ExAC no frequency).

Literature cited by the submitters: PubMed 17576681; PubMed 9536098.

NM_032119.4(ADGRV1):c.9906G>A (p.Glu3302=)

Gene: ADGRV1 (adhesion G protein-coupled receptor V1; plus strand). Cytogenetic location: 5q14.3.
Variant type: single nucleotide variant.
Coding change: c.9906G>A on transcript NM_032119.4 (MANE Select); coding-DNA position 9906, G replaced by A.
Protein change: p.Glu3302=; no amino-acid change (glutamic acid 3302 retained).
Molecular consequence: synonymous variant. On other transcripts: non-coding transcript variant (1).
Genome position (GRCh38, 1-based): chr5:90,724,989, G>A. VCF-style: chr5-90724989-G-A. GRCh37 (hg19) VCF-style: chr5-90020806-G-A.
Identifiers: ClinVar variation 1473719 (VCV001473719.6), dbSNP rs1751572225, ClinGen allele CA445468684.